The following is an entry in ClinVar:

ClinVar aggregate classification (germline): Uncertain significance (1 of 4 stars; one submission).

Allele frequency attached by ClinVar (database versions not stated): TOPMed 0.00002; gnomAD 0.00003.
gnomAD v4.1: 31 of 1,610,868 alleles (0.0019%); highest among the groups gnomAD compares: Admixed American, 0.0034%; no homozygotes.

Submission:

Labcorp Genetics (formerly Invitae), Labcorp
Classification: Uncertain significance. Last evaluated: 2025-12-06. Review status: criteria provided, single submitter. Criteria: Invitae Variant Classification Sherloc (09022015). Collection method: clinical testing. Allele origin: germline.
Comment: This sequence change replaces proline, which is neutral and non-polar, with alanine, which is neutral and non-polar, at codon 177 of the SEPT9 protein (p.Pro177Ala). This variant is present in population databases (no rsID available, gnomAD 0.007%). This variant has not been reported in the literature in individuals affected with SEPT9-related conditions. ClinVar contains an entry for this variant (Variation ID: 2445487). Invitae Evidence Modeling of protein sequence and biophysical properties (such as structural, functional, and spatial information, amino acid conservation, physicochemical variation, residue mobility, and thermodynamic stability) indicates that this missense variant is not expected to disrupt SEPT9 protein function with a negative predictive value of 80%. In summary, the available evidence is currently insufficient to determine the role of this variant in disease. Therefore, it has been classified as a Variant of Uncertain Significance.

NM_001113491.2(SEPTIN9):c.583C>G (p.Pro195Ala)

Gene: SEPTIN9 (septin 9; plus strand). Cytogenetic location: 17q25.3.
Variant type: single nucleotide variant.
Coding change: c.583C>G on transcript NM_001113491.2 (MANE Select); coding-DNA position 583, C replaced by G.
Protein change: p.Pro195Ala; replaces proline 195 with alanine.
Molecular consequence: missense variant.
Genome position (GRCh38, 1-based): chr17:77,402,565, C>G. VCF-style: chr17-77402565-C-G. GRCh37 (hg19) VCF-style: chr17-75398647-C-G.
Other names: c.91C>G, p.Pro31Ala (NM_001113492.2, NM_001113494.1); c.562C>G, p.Pro188Ala (NM_001113493.2); c.526C>G, p.Pro176Ala (NM_001293695.2); c.529C>G, p.Pro177Ala (NM_006640.5); short protein forms P176A, P177A, P188A, P195A, P31A.
Identifiers: ClinVar variation 2445487 (VCV002445487.4), dbSNP rs979440363, ClinGen allele CA294282933.